The following is an entry in ClinVar:

NM_000795.4(DRD2):c.1261G>A (p.Val421Met)

Gene: DRD2 (dopamine receptor D2; minus strand). Cytogenetic location: 11q23.2.
Variant type: single nucleotide variant.
Coding change: c.1261G>A on transcript NM_000795.4 (MANE Select); coding-DNA position 1261, G replaced by A.
Protein change: p.Val421Met; replaces valine 421 with methionine.
Molecular consequence: missense variant.
Genome position (GRCh38, 1-based): chr11:113,410,798, C>T on the plus strand (G>A on the coding strand, the complement: DRD2 is on the minus strand). VCF-style: chr11-113410798-C-T. GRCh37 (hg19) VCF-style: chr11-113281520-C-T.
Other names: c.1174G>A, p.Val392Met (NM_016574.4); short protein forms V392M, V421M.
Identifiers: ClinVar variation 2642380 (VCV002642380.24), dbSNP rs1035365226, ClinGen allele CA228624795.

ClinVar aggregate classification (germline): Uncertain significance (1 of 4 stars; one submission).

Allele frequency attached by ClinVar (database versions not stated): gnomAD exomes below 0.00001; TOPMed 0.00001.

Submission:

CeGaT Center for Human Genetics Tuebingen
Classification: Uncertain significance. Last evaluated: 2023-01-01. Review status: criteria provided, single submitter. Criteria: CeGaT Center For Human Genetics Tuebingen Variant Classification Criteria Version 2. Collection method: clinical testing. Allele origin: germline. Affected: yes. Observed: 1 variant allele.
Comment: DRD2: PM2